The following is an entry in ClinVar:

ClinVar aggregate classification (germline): Likely benign (1 of 4 stars; one submission).

gnomAD v4.1: 91 of 1,613,972 alleles (0.0056%); highest among the groups gnomAD compares: South Asian, 0.034%; no homozygotes.

Submission:

CeGaT Center for Human Genetics Tuebingen
Classification: Likely benign. Last evaluated: 2025-11-01. Review status: criteria provided, single submitter. Criteria: CeGaT Center For Human Genetics Tuebingen Variant Classification Criteria Version 2. Collection method: clinical testing. Allele origin: germline. Affected: yes. Observed: 1 variant allele.
Comment: EMILIN2: BP4, BP7

NM_032048.3(EMILIN2):c.1431C>T (p.Gly477=)

Gene: EMILIN2 (elastin microfibril interfacer 2; plus strand). Cytogenetic location: 18p11.32.
Variant type: single nucleotide variant.
Coding change: c.1431C>T on transcript NM_032048.3 (MANE Select); coding-DNA position 1431, C replaced by T.
Protein change: p.Gly477=; no amino-acid change (glycine 477 retained).
Molecular consequence: synonymous variant.
Genome position (GRCh38, 1-based): chr18:2,891,558, C>T. VCF-style: chr18-2891558-C-T. GRCh37 (hg19) VCF-style: chr18-2891556-C-T.
Identifiers: ClinVar variation 4533730 (VCV004533730.6).
Genomic context (GRCh38, chr18:2,891,558, plus strand): 5'-CAATGTGACGGAGAAGAACGCTGAAGAACATTGCTTTTACATTGAGGAAACCCTTCGGGG[C>T]GCCATTAATGGAGAGGTGGGTGACTTGAAGCAGCTTGTTGATCAGAAAATACAGTCTCTG-3'
Protein context (NP_114437.2, residues 467-487): HCFYIEETLR[Gly477=]AINGEVGDLK